The following is an entry in ClinVar:

ClinVar aggregate classification (germline): Uncertain significance (1 of 4 stars; one submission).

Allele frequency attached by ClinVar (database versions not stated): gnomAD exomes below 0.00001; gnomAD 0.00001.
gnomAD v4.1: 2 of 1,613,996 alleles (0.00012%); highest among the groups gnomAD compares: Non-Finnish European, 0.00017%; no homozygotes.

Submission:

Labcorp Genetics (formerly Invitae), Labcorp
Classification: Uncertain significance. Last evaluated: 2022-10-26. Review status: criteria provided, single submitter. Criteria: Invitae Variant Classification Sherloc (09022015). Collection method: clinical testing. Allele origin: germline.
Comment: Advanced modeling of protein sequence and biophysical properties (such as structural, functional, and spatial information, amino acid conservation, physicochemical variation, residue mobility, and thermodynamic stability) performed at Invitae indicates that this missense variant is not expected to disrupt COL11A2 protein function. This variant has not been reported in the literature in individuals affected with COL11A2-related conditions. This variant is present in population databases (no rsID available, gnomAD 0.007%). This sequence change replaces proline, which is neutral and non-polar, with alanine, which is neutral and non-polar, at codon 258 of the COL11A2 protein (p.Pro258Ala). In summary, the available evidence is currently insufficient to determine the role of this variant in disease. Therefore, it has been classified as a Variant of Uncertain Significance.

NM_080680.3(COL11A2):c.772C>G (p.Pro258Ala)

Gene: COL11A2 (collagen type XI alpha 2 chain; minus strand). Cytogenetic location: 6p21.32.
Variant type: single nucleotide variant.
Coding change: c.772C>G on transcript NM_080680.3 (MANE Select); coding-DNA position 772, C replaced by G.
Protein change: p.Pro258Ala; replaces proline 258 with alanine.
Molecular consequence: missense variant.
Genome position (GRCh38, 1-based): chr6:33,186,653, G>C on the plus strand (C>G on the coding strand, the complement: COL11A2 is on the minus strand). VCF-style: chr6-33186653-G-C. GRCh37 (hg19) VCF-style: chr6-33154430-G-C.
Other names: c.772C>G, p.Pro258Ala (NM_001163771.2, NM_080679.3, NM_080681.3); short protein forms P258A.
Identifiers: ClinVar variation 1722206 (VCV001722206.6), dbSNP rs1404303051, ClinGen allele CA363610148.